The following is an entry in ClinVar:

ClinVar aggregate classification (germline): Uncertain significance. Review status: criteria provided, multiple submitters, no conflicts (2 of 4 stars). 2 submissions from 2 submitters: Uncertain significance (2). Last evaluated 2024-02-15.

Conditions:
Hereditary cancer-predisposing syndrome. Also called: Neoplastic Syndromes, Hereditary; Tumor predisposition; Hereditary neoplastic syndrome; Hereditary Cancer Syndrome. Identifiers: Orphanet 140162, MedGen C0027672, MeSH D009386, MONDO:0015356.

Submissions (2):

Labcorp Genetics (formerly Invitae), Labcorp
Classification: Uncertain significance. Last evaluated: 2024-02-15. Review status: criteria provided, single submitter. Criteria: Invitae Variant Classification Sherloc (09022015). Collection method: clinical testing. Allele origin: germline.
Comment: This sequence change replaces arginine, which is basic and polar, with lysine, which is basic and polar, at codon 863 of the MSH3 protein (p.Arg863Lys). This variant is not present in population databases (gnomAD no frequency). This variant has not been reported in the literature in individuals affected with MSH3-related conditions. ClinVar contains an entry for this variant (Variation ID: 2451063). An algorithm developed to predict the effect of missense changes on protein structure and function (PolyPhen-2) suggests that this variant is likely to be disruptive. In summary, the available evidence is currently insufficient to determine the role of this variant in disease. Therefore, it has been classified as a Variant of Uncertain Significance.

Ambry Genetics
Classification: Uncertain significance for Hereditary cancer-predisposing syndrome. Last evaluated: 2023-01-12. Review status: criteria provided, single submitter. Criteria: Ambry Variant Classification Scheme 2023. Collection method: clinical testing. Allele origin: germline.
Comment: The p.R863K variant (also known as c.2588G>A), located in coding exon 19 of the MSH3 gene, results from a G to A substitution at nucleotide position 2588. The arginine at codon 863 is replaced by lysine, an amino acid with highly similar properties. This amino acid position is conserved. In addition, the in silico prediction for this alteration is inconclusive. Since supporting evidence is limited at this time, the clinical significance of this alteration remains unclear.

NM_002439.5(MSH3):c.2588G>A (p.Arg863Lys)

Gene: MSH3 (mutS homolog 3; plus strand). Cytogenetic location: 5q14.1.
Variant type: single nucleotide variant.
Coding change: c.2588G>A on transcript NM_002439.5 (MANE Select); coding-DNA position 2588, G replaced by A.
Protein change: p.Arg863Lys; replaces arginine 863 with lysine.
Molecular consequence: missense variant.
Genome position (GRCh38, 1-based): chr5:80,792,777, G>A. VCF-style: chr5-80792777-G-A. GRCh37 (hg19) VCF-style: chr5-80088596-G-A.
Other names: short protein forms R863K.
Identifiers: ClinVar variation 2451063 (VCV002451063.4), dbSNP rs2546786773, ClinGen allele CA360272922.